The following is an entry in ClinVar:

ClinVar aggregate classification (germline): Likely benign (0 of 4 stars; one submission).

Conditions:
TBC1D23-related disorder. Also called: TBC1D23-related condition.

Allele frequency attached by ClinVar (database versions not stated): TOPMed 0.00002; gnomAD 0.00018; gnomAD exomes 0.00031; ExAC 0.00073; 1000 Genomes Project 0.00120; 1000 Genomes Project 30x 0.00141.
gnomAD v4.1: 479 of 1,613,290 alleles (0.03%); highest among the groups gnomAD compares: South Asian, 0.5%; 9 homozygotes.

Submission:

PreventionGenetics, part of Exact Sciences
Classification: Likely benign for TBC1D23-related condition. Last evaluated: 2019-03-01. Review status: no assertion criteria provided. Collection method: clinical testing. Allele origin: germline.
Comment: This variant is classified as likely benign based on ACMG/AMP sequence variant interpretation guidelines (Richards et al. 2015 PMID: 25741868, with internal and published modifications).

NM_001199198.3(TBC1D23):c.543G>A (p.Glu181=)

Gene: TBC1D23 (TBC1 domain family member 23; plus strand). Cytogenetic location: 3q12.1.
Variant type: single nucleotide variant.
Coding change: c.543G>A on transcript NM_001199198.3 (MANE Select); coding-DNA position 543, G replaced by A.
Protein change: p.Glu181=; no amino-acid change (glutamic acid 181 retained).
Molecular consequence: synonymous variant.
Genome position (GRCh38, 1-based): chr3:100,290,644, G>A. VCF-style: chr3-100290644-G-A. GRCh37 (hg19) VCF-style: chr3-100009488-G-A.
Other names: c.543G>A, p.Glu181= (NM_018309.5).
Identifiers: ClinVar variation 3057423 (VCV003057423.2), dbSNP rs561632705, ClinGen allele CA2514455.